The following is an entry in ClinVar:

ClinVar aggregate classification (germline): Likely benign. Review status: criteria provided, multiple submitters, no conflicts (2 of 4 stars). 4 submissions from 4 submitters: Likely benign (4). Last evaluated 2026-01-14.

Conditions:
Cardiovascular phenotype. Identifiers: MedGen CN230736.
Dilated cardiomyopathy 1HH (CMD1HH). Identifiers: Orphanet 154, MedGen C3151293, MONDO:0013479, OMIM 613881.
Myofibrillar myopathy 6. Identifiers: Orphanet 199340, MedGen C2751831, MONDO:0013061, OMIM 612954.

Allele frequency attached by ClinVar (database versions not stated): gnomAD exomes 0.00003 and 0.00005; ExAC 0.00007; ESP Exome Variant Server 0.00016; gnomAD 0.00019 and 0.00021; TOPMed 0.00027; 1000 Genomes Project 30x 0.00031; 1000 Genomes Project 0.00040.
gnomAD v4.1: 69 of 1,612,396 alleles (0.0043%); highest among the groups gnomAD compares: African/African-American, 0.056%; no homozygotes.

Submissions (4):

Labcorp Genetics (formerly Invitae), Labcorp
Classification: Likely benign for Dilated cardiomyopathy 1HH; Myofibrillar myopathy 6. Last evaluated: 2026-01-14. Review status: criteria provided, single submitter. Criteria: Invitae Variant Classification Sherloc (09022015). Collection method: clinical testing. Allele origin: germline.

CeGaT Center for Human Genetics Tuebingen
Classification: Likely benign. Last evaluated: 2023-03-01. Review status: criteria provided, single submitter. Criteria: CeGaT Center For Human Genetics Tuebingen Variant Classification Criteria Version 2. Collection method: clinical testing. Allele origin: germline. Affected: yes. Observed: 1 variant allele.
Comment: BAG3: BP4, BP7

Ambry Genetics
Classification: Likely benign for Cardiovascular phenotype. Last evaluated: 2019-12-11. Review status: criteria provided, single submitter. Criteria: Ambry Variant Classification Scheme 2023. Collection method: clinical testing. Allele origin: germline.

Laboratory for Molecular Medicine, Mass General Brigham Personalized Medicine
Classification: Likely benign. Last evaluated: 2012-03-19. Review status: criteria provided, single submitter. Criteria: LMM Criteria. Collection method: clinical testing. Allele origin: germline. Observed: 1 variant allele.
Comment: p.Ala157Ala in Exon 02 of BAG3: This variant is not expected to have clinical si gnificance because it does not alter an amino acid residue, is not located withi n the splice consensus sequence. It has been identified in 0.1% (2/3710) of Afri can American chromosomes from a broad population by the NHLBI Exome Sequencing P roject (dbSNP rs148985314).

NM_004281.4(BAG3):c.471G>A (p.Ala157=)

Gene: BAG3 (BAG cochaperone 3; plus strand). Cytogenetic location: 10q26.11.
Variant type: single nucleotide variant.
Coding change: c.471G>A on transcript NM_004281.4 (MANE Select); coding-DNA position 471, G replaced by A.
Protein change: p.Ala157=; no amino-acid change (alanine 157 retained).
Molecular consequence: synonymous variant.
Genome position (GRCh38, 1-based): chr10:119,670,141, G>A. VCF-style: chr10-119670141-G-A. GRCh37 (hg19) VCF-style: chr10-121429653-G-A.
Identifiers: ClinVar variation 162777 (VCV000162777.40), dbSNP rs148985314, ClinGen allele CA175291.